The following is an entry in ClinVar:

ClinVar aggregate classification (germline): Uncertain significance. Review status: criteria provided, multiple submitters, no conflicts (2 of 4 stars). 4 submissions from 4 submitters: Uncertain significance (4). Last evaluated 2025-09-10.

Conditions:
Familial prostate cancer. Also called: Hereditary Prostate Cancer. Identifiers: MedGen C2931456, MONDO:0700275, OMIM 176807.
CHEK2-related cancer predisposition (TPDS4). Also called: TUMOR PREDISPOSITION SYNDROME 4; CANCER PREDISPOSITION SYNDROME, CHEK2-RELATED; CHEK2-related cancer susceptibility. Identifiers: Orphanet 524, MedGen C5882668, MONDO:0700271, OMIM 609265.
Bone osteosarcoma. Also called: Osteosarcoma, somatic. Identifiers: Orphanet 668, MedGen C0585442, MONDO:0002629, OMIM 259500.
Hereditary cancer-predisposing syndrome. Also called: Neoplastic Syndromes, Hereditary; Tumor predisposition; Hereditary neoplastic syndrome; Hereditary Cancer Syndrome. Identifiers: Orphanet 140162, MedGen C0027672, MeSH D009386, MONDO:0015356.
Familial cancer of breast. Also called: hereditary breast carcinoma; BREAST CANCER, FAMILIAL; Hereditary breast cancer. Identifiers: Orphanet 227535, MedGen C0346153, MONDO:0016419, OMIM 114480. Disease mechanism: loss of function.

Allele frequency attached by ClinVar (database versions not stated): gnomAD exomes below 0.00001.
gnomAD v4.1: 4 of 1,613,254 alleles (0.00025%); highest among the groups gnomAD compares: Non-Finnish European, 0.00034%; no homozygotes.

Submissions (4):

Color Diagnostics, LLC DBA Color Health
Classification: Uncertain significance for Hereditary cancer-predisposing syndrome. Last evaluated: 2025-09-10. Review status: criteria provided, single submitter. Criteria: ACMG Guidelines, 2015. Collection method: clinical testing. Allele origin: germline.
Comment: This missense variant replaces alanine with valine at codon 237 of the CHEK2 protein. Computational prediction suggests that this variant may not impact protein structure and function. Functional studies have shown that this variant is defective in KAP1 kinase assays and CHK2 autophosphorylation assasy (PMID: 37449874). To our knowledge, this variant has not been reported in individuals affected with CHEK2-related disorders in the literature. This variant has not been identified in the general population by the Genome Aggregation Database (gnomAD). The available evidence is insufficient to determine the role of this variant in disease conclusively. Therefore, this variant is classified as a Variant of Uncertain Significance.

Labcorp Genetics (formerly Invitae), Labcorp
Classification: Uncertain significance for Familial cancer of breast. Last evaluated: 2025-04-14. Review status: criteria provided, single submitter. Criteria: Invitae Variant Classification Sherloc (09022015). Collection method: clinical testing. Allele origin: germline.
Comment: This sequence change replaces alanine, which is neutral and non-polar, with valine, which is neutral and non-polar, at codon 237 of the CHEK2 protein (p.Ala237Val). This variant is not present in population databases (gnomAD no frequency). This variant has not been reported in the literature in individuals affected with CHEK2-related conditions. ClinVar contains an entry for this variant (Variation ID: 240752). An algorithm developed to predict the effect of missense changes on protein structure and function (PolyPhen-2) suggests that this variant is likely to be disruptive. In summary, the available evidence is currently insufficient to determine the role of this variant in disease. Therefore, it has been classified as a Variant of Uncertain Significance.

Fulgent Genetics
Classification: Uncertain significance for Familial prostate cancer; Bone osteosarcoma; CHEK2-related cancer predisposition. Last evaluated: 2024-03-21. Review status: criteria provided, single submitter. Criteria: ACMG Guidelines, 2015. Collection method: clinical testing. Allele origin: germline.

Ambry Genetics
Classification: Uncertain significance for Hereditary cancer-predisposing syndrome. Last evaluated: 2023-02-23. Review status: criteria provided, single submitter. Criteria: Ambry Variant Classification Scheme 2023. Collection method: clinical testing. Allele origin: germline.
Comment: The p.A237V variant (also known as c.710C>T), located in coding exon 5 of the CHEK2 gene, results from a C to T substitution at nucleotide position 710. The alanine at codon 237 is replaced by valine, an amino acid with similar properties. This amino acid position is highly conserved in available vertebrate species. In addition, the in silico prediction for this alteration is inconclusive. Since supporting evidence is limited at this time, the clinical significance of this alteration remains unclear.

Literature cited by the submitters: PubMed 37449874 (cited by Color Diagnostics, LLC DBA Color Health).

NM_007194.4(CHEK2):c.710C>T (p.Ala237Val)

Gene: CHEK2 (checkpoint kinase 2; minus strand). Cytogenetic location: 22q12.1.
Variant type: single nucleotide variant.
Coding change: c.710C>T on transcript NM_007194.4 (MANE Select); coding-DNA position 710, C replaced by T.
Protein change: p.Ala237Val; replaces alanine 237 with valine.
Molecular consequence: missense variant.
Genome position (GRCh38, 1-based): chr22:28,711,991, G>A on the plus strand (C>T on the coding strand, the complement: CHEK2 is on the minus strand). VCF-style: chr22-28711991-G-A. GRCh37 (hg19) VCF-style: chr22-29107979-G-A.
Other names: c.839C>T, p.Ala280Val (NM_001005735.3); c.47C>T, p.Ala16Val (NM_001257387.3); c.509C>T, p.Ala170Val (NM_001349956.3); c.710C>T, p.Ala237Val (NM_145862.3); short protein forms A237V, A16V, A170V, A280V.
Identifiers: ClinVar variation 240752 (VCV000240752.10), dbSNP rs878854921, ClinGen allele CA10583910.